The following is an entry in ClinVar:

NM_001042492.3(NF1):c.3709-2A>C

Gene: NF1 (neurofibromin 1; plus strand). Cytogenetic location: 17q11.2.
Variant type: single nucleotide variant.
Coding change: c.3709-2A>C on transcript NM_001042492.3 (MANE Select); the canonical splice acceptor site of the intron before coding-DNA position 3709, A replaced by C.
Molecular consequence: splice acceptor variant.
Genome position (GRCh38, 1-based): chr17:31,235,609, A>C. VCF-style: chr17-31235609-A-C. GRCh37 (hg19) VCF-style: chr17-29562627-A-C.
Other names: c.3709-2A>C (NM_000267.4).
Identifiers: ClinVar variation 3706681 (VCV003706681.3).

ClinVar aggregate classification (germline): Pathogenic. Review status: criteria provided, multiple submitters, no conflicts (2 of 4 stars). 2 submissions from 2 submitters: Pathogenic (2). Last evaluated 2025-12-08.

Conditions:
Neurofibromatosis, type 1 (NF1). Also called: NEUROFIBROMATOSIS, TYPE I, SOMATIC; Neurofibromatosis, type I; VON RECKLINGHAUSEN DISEASE; Peripheral type neurofibromatosis. Identifiers: Orphanet 636, MedGen C0027831, MONDO:0018975, OMIM 162200. Disease mechanism: loss of function.

Submissions (2):

NHS Central & South Genomic Laboratory Hub
Classification: Pathogenic for Neurofibromatosis type 1. Last evaluated: 2025-12-08. Review status: criteria provided, single submitter. Criteria: ACMG Guidelines, 2015. Collection method: clinical testing. Allele origin: germline. Affected: yes.

Labcorp Genetics (formerly Invitae), Labcorp
Classification: Pathogenic for Neurofibromatosis, type 1. Last evaluated: 2024-12-12. Review status: criteria provided, single submitter. Criteria: Invitae Variant Classification Sherloc (09022015). Collection method: clinical testing. Allele origin: germline.
Comment: This sequence change affects an acceptor splice site in intron 27 of the NF1 gene. It is expected to disrupt RNA splicing. Variants that disrupt the donor or acceptor splice site typically lead to a loss of protein function (PMID: 16199547), and loss-of-function variants in NF1 are known to be pathogenic (PMID: 10712197, 23913538). This variant is not present in population databases (gnomAD no frequency). Disruption of this splice site has been observed in individuals with neurofibromatosis type 1 (PMID: 9003501, 25541118; internal data). Algorithms developed to predict the effect of sequence changes on RNA splicing suggest that this variant may disrupt the consensus splice site. For these reasons, this variant has been classified as Pathogenic.

Literature cited by the submitters: PubMed 16199547 (cited by Labcorp Genetics (formerly Invitae), Labcorp); PubMed 10712197 (cited by Labcorp Genetics (formerly Invitae), Labcorp); PubMed 23913538 (cited by Labcorp Genetics (formerly Invitae), Labcorp); PubMed 9003501 (cited by Labcorp Genetics (formerly Invitae), Labcorp); PubMed 25541118 (cited by Labcorp Genetics (formerly Invitae), Labcorp).